The following is an entry in ClinVar:

NM_144997.7(FLCN):c.136G>A (p.Glu46Lys)

Gene: FLCN (folliculin; minus strand). Cytogenetic location: 17p11.2.
Variant type: single nucleotide variant.
Coding change: c.136G>A on transcript NM_144997.7 (MANE Select); coding-DNA position 136, G replaced by A.
Protein change: p.Glu46Lys; replaces glutamic acid 46 with lysine.
Molecular consequence: missense variant.
Genome position (GRCh38, 1-based): chr17:17,228,002, C>T on the plus strand (G>A on the coding strand, the complement: FLCN is on the minus strand). VCF-style: chr17-17228002-C-T. GRCh37 (hg19) VCF-style: chr17-17131316-C-T.
Other names: c.136G>A, p.Glu46Lys (NM_001353229.2, NM_001353230.2, NM_001353231.2 and 1 more transcripts); short protein forms E46K.
Identifiers: ClinVar variation 4871392 (VCV004871392.1).

ClinVar aggregate classification (germline): Uncertain significance (1 of 4 stars; one submission).

Conditions:
Hereditary cancer-predisposing syndrome. Also called: Neoplastic Syndromes, Hereditary; Hereditary Cancer Syndrome; Hereditary neoplastic syndrome; Tumor predisposition. Identifiers: Orphanet 140162, MedGen C0027672, MeSH D009386, MONDO:0015356.

Submission:

Ambry Genetics
Classification: Uncertain significance for Hereditary cancer-predisposing syndrome. Last evaluated: 2026-05-20. Review status: criteria provided, single submitter. Criteria: Ambry Variant Classification Scheme 2023. Collection method: clinical testing. Allele origin: germline.
Comment: The p.E46K variant (also known as c.136G>A), located in coding exon 1 of the FLCN gene, results from a G to A substitution at nucleotide position 136. The glutamic acid at codon 46 is replaced by lysine, an amino acid with similar properties. This amino acid position is well conserved in available vertebrate species. In addition, the in silico prediction for this alteration is inconclusive. Based on the available evidence, the clinical significance of this variant remains unclear.